The following is an entry in ClinVar:

ClinVar aggregate classification (germline): Uncertain significance (1 of 4 stars; one submission).

Conditions:
WDFY4-related disorder. Also called: WDFY4-related condition.

Submission:

PreventionGenetics, part of Exact Sciences
Classification: Uncertain significance for WDFY4-related condition. Last evaluated: 2023-04-03. Review status: criteria provided, single submitter. Criteria: ACMG Guidelines, 2015. Collection method: clinical testing. Allele origin: germline.
Comment: The WDFY4 c.3799C>A variant is predicted to result in the amino acid substitution p.His1267Asn. To our knowledge, this variant has not been reported in the literature or in a large population database, indicating this variant is rare. At this time, the clinical significance of this variant is uncertain due to the absence of conclusive functional and genetic evidence.

NM_001394531.1(WDFY4):c.3799C>A (p.His1267Asn)

Gene: WDFY4 (WDFY family member 4; plus strand). Cytogenetic location: 10q11.23.
Variant type: single nucleotide variant.
Coding change: c.3799C>A on transcript NM_001394531.1 (MANE Select); coding-DNA position 3799, C replaced by A.
Protein change: p.His1267Asn; replaces histidine 1267 with asparagine.
Molecular consequence: missense variant.
Genome position (GRCh38, 1-based): chr10:48,786,861, C>A. VCF-style: chr10-48786861-C-A. GRCh37 (hg19) VCF-style: chr10-49994906-C-A.
Other names: c.3799C>A, p.His1267Asn (NM_001370153.1, NM_020945.2); short protein forms H1267N.
Identifiers: ClinVar variation 2633409 (VCV002633409.1), dbSNP rs2492941968, ClinGen allele CA376681553.